The following is an entry in ClinVar:

NM_000044.6(AR):c.639G>A (p.Glu213=)

Gene: AR (androgen receptor; plus strand). Cytogenetic location: Xq12.
Variant type: single nucleotide variant.
Coding change: c.639G>A on transcript NM_000044.6 (MANE Select); coding-DNA position 639, G replaced by A.
Protein change: p.Glu213=; no amino-acid change (glutamic acid 213 retained).
Molecular consequence: synonymous variant. On other transcripts: 5 prime UTR variant (1).
Genome position (GRCh38, 1-based): chrX:67,545,785, G>A. VCF-style: chrX-67545785-G-A. GRCh37 (hg19) VCF-style: chrX-66765627-G-A.
Other names: c.-1145G>A (NM_001011645.3); c.639G>A, p.Glu213= (NM_001348061.1, NM_001348063.1, NM_001348064.1).
Identifiers: ClinVar variation 155758 (VCV000155758.13), dbSNP rs6152, ClinGen allele CA10436303.

ClinVar aggregate classification (germline): Benign. Review status: criteria provided, multiple submitters, no conflicts (2 of 4 stars). 6 submissions from 6 submitters: Benign (5). 1 of the submissions does not count toward it. Last evaluated 2026-02-02.

Conditions:
Kennedy disease (SMAX1). Also called: Spinal and Bulbar Muscular Atrophy; SPINAL AND BULBAR MUSCULAR ATROPHY, X-LINKED 1; KENNEDY SPINAL AND BULBAR MUSCULAR ATROPHY. Identifiers: Orphanet 481, MedGen C1839259, MONDO:0010735, OMIM 313200.
Androgen resistance syndrome (AIS). Also called: TESTICULAR FEMINIZATION SYNDROME; Androgen insensitivity syndrome due to coactivator deficiency; Androgen insensitivity, complete; Androgen insensitivity; Androgen insensitivity syndrome; DHTR DEFICIENCY. Identifiers: Orphanet 754, Orphanet 99429, MedGen C0039585, MONDO:0019154, OMIM 300068. Disease mechanism: loss of function.

Allele frequency attached by ClinVar (database versions not stated): gnomAD exomes 0.15159 and 0.15181; ExAC 0.17471; 1000 Genomes Project 0.23868; 1000 Genomes Project 30x 0.24745; gnomAD 0.27370 and 0.28599; TOPMed 0.28518; ESP Exome Variant Server 0.31894.
gnomAD v4.1: 197,366 of 1,209,546 alleles (16%); highest among the groups gnomAD compares: African/African-American, 62%; 16,446 homozygotes.

Submissions (6):

Labcorp Genetics (formerly Invitae), Labcorp
Classification: Benign for Kennedy disease; Androgen resistance syndrome. Last evaluated: 2026-02-02. Review status: criteria provided, single submitter. Criteria: Invitae Variant Classification Sherloc (09022015). Collection method: clinical testing. Allele origin: germline.

Blueprint Genetics
Classification: Benign. Last evaluated: 2024-11-28. Review status: criteria provided, single submitter. Criteria: ACMG Guidelines, 2015. Collection method: clinical testing. Allele origin: germline.

GeneDx
Classification: Benign. Last evaluated: 2015-03-03. Review status: criteria provided, single submitter. Criteria: GeneDx Variant Classification Process June 2021. Collection method: clinical testing. Allele origin: germline. Affected: yes.
Comment: This variant is associated with the following publications: (PMID: 25241384, 19167832, 15824176, 11231320)

Breakthrough Genomics
Classification: Benign. Review status: criteria provided, single submitter. Criteria: ACMG Guidelines, 2015. Collection method: not provided. Allele origin: germline. Inheritance: X-linked inheritance. Affected: yes.

PreventionGenetics, part of Exact Sciences
Classification: Benign. Review status: criteria provided, single submitter. Criteria: ACMG Guidelines, 2015. Collection method: clinical testing. Allele origin: germline.

GeneReviews
Classification: Benign for Androgen resistance syndrome. Last evaluated: 2014-07-10. Review status: no assertion criteria provided. Collection method: literature only. Allele origin: germline. Affected: yes. Not counted in ClinVar's aggregate classification.

Literature cited by the submitters: PubMed 8033918 (cited by GeneReviews); PubMed 1307250 (cited by GeneReviews); PubMed 3174628 (cited by GeneReviews).